The following is an entry in ClinVar:

ClinVar aggregate classification (germline): Uncertain significance (1 of 4 stars; one submission).

Conditions:
BBS5-related disorder. Also called: BBS5-related condition.

Submission:

PreventionGenetics, part of Exact Sciences
Classification: Uncertain significance for BBS5-related condition. Last evaluated: 2025-11-04. Review status: criteria provided, single submitter. Criteria: ACMG Guidelines, 2015. Collection method: clinical testing. Allele origin: germline.
Comment: The BBS5 c.226A>C variant is predicted to result in the amino acid substitution p.Ile76Leu. To our knowledge, this variant has not been reported in the literature or in a large population database (gnomAD), indicating this variant is rare. At this time, the clinical significance of this variant is uncertain due to the absence of conclusive functional and genetic evidence.

NM_152384.3(BBS5):c.226A>C (p.Ile76Leu)

Gene: BBS5 (Bardet-Biedl syndrome 5; plus strand). Cytogenetic location: 2q31.1.
Variant type: single nucleotide variant.
Coding change: c.226A>C on transcript NM_152384.3 (MANE Select); coding-DNA position 226, A replaced by C.
Protein change: p.Ile76Leu; replaces isoleucine 76 with leucine.
Molecular consequence: missense variant.
Genome position (GRCh38, 1-based): chr2:169,487,823, A>C. VCF-style: chr2-169487823-A-C. GRCh37 (hg19) VCF-style: chr2-170344333-A-C.
Other names: short protein forms I76L.
Identifiers: ClinVar variation 4990873 (VCV004990873.1).